The following is an entry in ClinVar:

NM_000399.5(EGR2):c.676T>A (p.Tyr226Asn)

Gene: EGR2 (early growth response 2; minus strand). Cytogenetic location: 10q21.3.
Variant type: single nucleotide variant.
Coding change: c.676T>A on transcript NM_000399.5 (MANE Select); coding-DNA position 676, T replaced by A.
Protein change: p.Tyr226Asn; replaces tyrosine 226 with asparagine.
Molecular consequence: missense variant.
Genome position (GRCh38, 1-based): chr10:62,813,962, A>T on the plus strand (T>A on the coding strand, the complement: EGR2 is on the minus strand). VCF-style: chr10-62813962-A-T. GRCh37 (hg19) VCF-style: chr10-64573722-A-T.
Other names: c.676T>A, p.Tyr226Asn (NM_001136177.3, NM_001136178.2); c.526T>A, p.Tyr176Asn (NM_001136179.3, NM_001321037.2); c.715T>A, p.Tyr239Asn (NM_001410931.1); short protein forms Y226N, Y239N, Y176N.
Identifiers: ClinVar variation 1995963 (VCV001995963.4), dbSNP rs2492298139, ClinGen allele CA377029285.

ClinVar aggregate classification (germline): Uncertain significance (1 of 4 stars; one submission).

Conditions:
Charcot-Marie-Tooth disease, type I (CMT1). Also called: Charcot-Marie-Tooth disease type 1; Charcot-Marie-Tooth, Type 1. Identifiers: Orphanet 65753, MedGen C0751036, MONDO:0019011.

Allele frequency attached by ClinVar (database versions not stated): gnomAD exomes below 0.00001.
gnomAD v4.1: 1 of 1,614,188 alleles (0.000062%); highest among the groups gnomAD compares: Non-Finnish European, 0.000085%; no homozygotes.

Submission:

Labcorp Genetics (formerly Invitae), Labcorp
Classification: Uncertain significance for Charcot-Marie-Tooth disease, type I. Last evaluated: 2022-05-18. Review status: criteria provided, single submitter. Criteria: Invitae Variant Classification Sherloc (09022015). Collection method: clinical testing. Allele origin: germline.
Comment: In summary, the available evidence is currently insufficient to determine the role of this variant in disease. Therefore, it has been classified as a Variant of Uncertain Significance. Algorithms developed to predict the effect of missense changes on protein structure and function are either unavailable or do not agree on the potential impact of this missense change (SIFT: "Not Available"; PolyPhen-2: "Possibly Damaging"; Align-GVGD: "Not Available"). This variant is not present in population databases (gnomAD no frequency). This sequence change replaces tyrosine, which is neutral and polar, with asparagine, which is neutral and polar, at codon 226 of the EGR2 protein (p.Tyr226Asn). This variant has not been reported in the literature in individuals affected with EGR2-related conditions.